The following is an entry in ClinVar:

ClinVar aggregate classification (germline): Likely benign (1 of 4 stars; one submission).

gnomAD v4.1: 6 of 1,614,066 alleles (0.00037%); highest among the groups gnomAD compares: African/African-American, 0.0013%; no homozygotes.

Submission:

CeGaT Center for Human Genetics Tuebingen
Classification: Likely benign. Last evaluated: 2024-11-01. Review status: criteria provided, single submitter. Criteria: CeGaT Center For Human Genetics Tuebingen Variant Classification Criteria Version 2. Collection method: clinical testing. Allele origin: germline. Affected: yes. Observed: 1 variant allele.
Comment: MTERF2: BP4, BP7

NM_001033050.3(MTERF2):c.243G>A (p.Ala81=)

Gene: MTERF2 (mitochondrial transcription termination factor 2; minus strand). Cytogenetic location: 12q23.3.
Variant type: single nucleotide variant.
Coding change: c.243G>A on transcript NM_001033050.3 (MANE Select); coding-DNA position 243, G replaced by A.
Protein change: p.Ala81=; no amino-acid change (alanine 81 retained).
Molecular consequence: synonymous variant.
Genome position (GRCh38, 1-based): chr12:106,978,472, C>T on the plus strand (G>A on the coding strand, the complement: MTERF2 is on the minus strand). VCF-style: chr12-106978472-C-T. GRCh37 (hg19) VCF-style: chr12-107372250-C-T.
Other names: c.243G>A, p.Ala81= (NM_025198.5).
Identifiers: ClinVar variation 3387899 (VCV003387899.14).